The following is an entry in ClinVar:

NM_020297.4(ABCC9):c.1802G>T (p.Ser601Ile)

Gene: ABCC9 (ATP binding cassette subfamily C member 9; minus strand). Cytogenetic location: 12p12.1.
Variant type: single nucleotide variant.
Coding change: c.1802G>T on transcript NM_020297.4 (MANE Select); coding-DNA position 1802, G replaced by T.
Protein change: p.Ser601Ile; replaces serine 601 with isoleucine.
Molecular consequence: missense variant.
Genome position (GRCh38, 1-based): chr12:21,894,032, C>A on the plus strand (G>T on the coding strand, the complement: ABCC9 is on the minus strand). VCF-style: chr12-21894032-C-A. GRCh37 (hg19) VCF-style: chr12-22046966-C-A.
Other names: c.1802G>T, p.Ser601Ile (NM_001377273.1, NM_005691.4); c.938G>T, p.Ser313Ile (NM_001377274.1); short protein forms S601I, S313I.
Identifiers: ClinVar variation 1780430 (VCV001780430.2), dbSNP rs935975257, ClinGen allele CA233626552.

ClinVar aggregate classification (germline): Uncertain significance (1 of 4 stars; one submission).

Conditions:
Cardiovascular phenotype. Identifiers: MedGen CN230736.

Allele frequency attached by ClinVar (database versions not stated): TOPMed 0.00001.
gnomAD v4.1: 1 of 1,613,864 alleles (0.000062%); highest among the groups gnomAD compares: Non-Finnish European, 0.000085%; no homozygotes.

Submission:

Ambry Genetics
Classification: Uncertain significance for Cardiovascular phenotype. Last evaluated: 2021-11-30. Review status: criteria provided, single submitter. Criteria: Ambry Variant Classification Scheme 2023. Collection method: clinical testing. Allele origin: germline.
Comment: The c.1802G>T variant (also known as p.S601I), located in coding exon 12 of the ABCC9 gene, results from a G to T substitution at nucleotide position 1802. The amino acid change results in serine to isoleucine at codon 601, an amino acid with dissimilar properties. However, this change occurs in the last base pair of coding exon 12, which makes it likely to have some effect on normal mRNA splicing. This nucleotide position is highly conserved in available vertebrate species, as is the amino acid position. In silico splice site analysis predicts that this alteration may weaken the native splice donor site. In addition, as a missense substitution, this is predicted to be deleterious by in silico analysis. However, loss of function of ABCC9 has not been established as a mechanism of disease. Since supporting evidence is limited at this time, the clinical significance of this alteration remains unclear.